The following is an entry in ClinVar:

NM_000540.3(RYR1):c.10649G>C (p.Arg3550Pro)

Gene: RYR1 (ryanodine receptor 1; plus strand). Cytogenetic location: 19q13.2.
Variant type: single nucleotide variant.
Coding change: c.10649G>C on transcript NM_000540.3 (MANE Select); coding-DNA position 10649, G replaced by C.
Protein change: p.Arg3550Pro; replaces arginine 3550 with proline.
Molecular consequence: missense variant.
Genome position (GRCh38, 1-based): chr19:38,527,015, G>C. VCF-style: chr19-38527015-G-C. GRCh37 (hg19) VCF-style: chr19-39017655-G-C.
Other names: c.10634G>C, p.Arg3545Pro (NM_001042723.2); short protein forms R3545P, R3550P.
Identifiers: ClinVar variation 3907534 (VCV003907534.1).

ClinVar aggregate classification (germline): Uncertain significance (1 of 4 stars; one submission).

gnomAD v4.1: 1 of 1,613,900 alleles (0.000062%); highest among the groups gnomAD compares: Non-Finnish European, 0.000085%; no homozygotes.

Submission:

Women's Health and Genetics/Laboratory Corporation of America, LabCorp
Classification: Uncertain significance. Last evaluated: 2025-06-25. Review status: criteria provided, single submitter. Criteria: LabCorp Variant Classification Summary - May 2015. Collection method: clinical testing. Allele origin: germline.
Comment: Variant summary: RYR1 c.10649G>C (p.Arg3550Pro) results in a non-conservative amino acid change in the encoded protein sequence. Algorithms developed to predict the effect of missense changes on protein structure and function all suggest that this variant is likely to be disruptive. The variant allele was found at a frequency of 6.2e-07 in 1606928 control chromosomes (gnomAD). c.10649G>C has been observed in an individual affected with myopathy (Zenagui_2018, Juntas Morales_2021). These data do not allow any conclusion about variant significance. A different variant affecting the same codon has been classified as likely pathogenic/pathogenic by our lab (c.10648C>T, p.Arg3550Trp), supporting the critical relevance of codon 3550 to RYR1 protein function. To our knowledge, no experimental evidence demonstrating an impact on protein function has been reported. The following publications have been ascertained in the context of this evaluation (PMID: 34440373, 29792937). No submitters have cited clinical-significance assessments for this variant to ClinVar. Based on the evidence outlined above, the variant was classified as VUS-possibly pathogenic.

Literature cited by the submitters: PubMed 29792937; PubMed 34440373.